The following is an entry in ClinVar:

ClinVar aggregate classification (germline): Pathogenic (1 of 4 stars; one submission).

Conditions:
Myofibrillar myopathy 6. Identifiers: Orphanet 199340, MedGen C2751831, MONDO:0013061, OMIM 612954.
Dilated cardiomyopathy 1HH (CMD1HH). Identifiers: Orphanet 154, MedGen C3151293, MONDO:0013479, OMIM 613881.

Submission:

Labcorp Genetics (formerly Invitae), Labcorp
Classification: Pathogenic for Dilated cardiomyopathy 1HH; Myofibrillar myopathy 6. Last evaluated: 2024-05-09. Review status: criteria provided, single submitter. Criteria: Invitae Variant Classification Sherloc (09022015). Collection method: clinical testing. Allele origin: germline.
Comment: This sequence change creates a premature translational stop signal (p.His243Profs*12) in the BAG3 gene. It is expected to result in an absent or disrupted protein product. Loss-of-function variants in BAG3 are known to be pathogenic (PMID: 21353195, 25008357). This variant is not present in population databases (gnomAD no frequency). This variant has not been reported in the literature in individuals affected with BAG3-related conditions. ClinVar contains an entry for this variant (Variation ID: 2106043). For these reasons, this variant has been classified as Pathogenic.

Literature cited by the submitters: PubMed 21353195; PubMed 25008357.

NM_004281.4(BAG3):c.727dup (p.His243fs)

Gene: BAG3 (BAG cochaperone 3; plus strand). Cytogenetic location: 10q26.11.
Variant type: Duplication.
Coding change: c.727dup on transcript NM_004281.4 (MANE Select); coding-DNA position 727, one base duplicated (C; older notation c.727dupC).
Protein change: p.His243fs; shifts the reading frame from histidine 243.
Molecular consequence: frameshift variant.
Genome position (GRCh38, 1-based): chr10:119,672,474, C duplicated; the last of 3 consecutive C bases (chr10:119,672,472-119,672,474); duplicating any one gives the same sequence. VCF-style (leftmost placement, unchanged base first): chr10-119672471-A-AC. GRCh37 (hg19) VCF-style: chr10-121431983-A-AC.
Other names: short protein forms H243fs.
Identifiers: ClinVar variation 2106043 (VCV002106043.4), dbSNP rs2134065242, ClinGen allele CA2580082468.